The following is an entry in ClinVar:

ClinVar aggregate classification (germline): Benign. Review status: criteria provided, single submitter (1 of 4 stars). 2 submissions from 2 submitters: Benign (1). 1 of the submissions does not count toward it. Last evaluated 2019-10-17.

Conditions:
Leigh syndrome (NULS). Also called: LEIGH SYNDROME, NUCLEAR; Leigh's syndrome; Subacute necrotizing encephalopathy; Necrotizing encephalopathy infantile subacute of Leigh; Leigh Disease; Leigh Syndrome (mtDNA deletion). Identifiers: Orphanet 506, MedGen C2931891, MONDO:0009723, OMIM 256000.
Leber optic atrophy (LHON). Also called: Leber's disease; Leber's optic atrophy; Leber hereditary optic neuropathy; Optic Atrophy, Hereditary, Leber. Identifiers: Orphanet 104, MedGen C0917796, MONDO:0010788, OMIM 535000, HP:0001112.

Submissions (2):

Wong Mito Lab, Molecular and Human Genetics, Baylor College of Medicine
Classification: Benign for Leigh syndrome. Last evaluated: 2019-10-17. Review status: criteria provided, single submitter. Criteria: Modified ACMG Guidelines (Unpublished). Collection method: clinical testing. Allele origin: germline.
Comment: The NC_012920.1:m.13637A>G (YP_003024036.1:p.Gln434Arg) variant in MTND5 gene is interpretated to be a Benign variant based on the modified ACMG guidelines (unpublished). This variant meets the following evidence codes: BS1, BS2

GeneReviews
No classification provided. Condition: Leber optic atrophy. Review status: no classification provided. Collection method: literature only. Allele origin: maternal. Not counted in ClinVar's aggregate classification.

Literature cited by the submitters: PubMed 30143805 (cited by GeneReviews); PubMed 20301353 (cited by GeneReviews).

NC_012920.1(MT-ND5):m.13637A>G

Gene: MT-ND5 (mitochondrially encoded NADH dehydrogenase 5; plus strand).
Variant type: single nucleotide variant.
Genome position: chrM-13637-A-G.
Identifiers: ClinVar variation 65511 (VCV000065511.4), dbSNP rs200855215, ClinGen allele CA344822.